The following is an entry in ClinVar:

NM_001349253.2(SCN11A):c.3382A>T (p.Ile1128Phe)

Gene: SCN11A (sodium voltage-gated channel alpha subunit 11; minus strand). Cytogenetic location: 3p22.2.
Variant type: single nucleotide variant.
Coding change: c.3382A>T on transcript NM_001349253.2 (MANE Select); coding-DNA position 3382, A replaced by T.
Protein change: p.Ile1128Phe; replaces isoleucine 1128 with phenylalanine.
Molecular consequence: missense variant.
Genome position (GRCh38, 1-based): chr3:38,879,961, T>A on the plus strand (A>T on the coding strand, the complement: SCN11A is on the minus strand). VCF-style: chr3-38879961-T-A. GRCh37 (hg19) VCF-style: chr3-38921452-T-A.
Other names: c.3382A>T, p.Ile1128Phe (NM_014139.3); short protein forms I1128F.
Identifiers: ClinVar variation 846479 (VCV000846479.7), dbSNP rs1039653910, ClinGen allele CA72986519.
Genomic context (GRCh38, chr3:38,879,961, plus strand): 5'-CCTTAACCACTACCCCAGCCTGTGTGGGACACAGAGATGGTAAACTTACAATCACAATGA[T>A]GAAATCAAGGCAGCACCAGGCACTGGTGAAATACTTTCCAAATCCGAAGGCTACCCATTT-3'
Protein context (NP_001336182.1, residues 1118-1138): FTSAWCCLDF[Ile1128Phe]IVIVSVTTLI

ClinVar aggregate classification (germline): Uncertain significance. Review status: criteria provided, multiple submitters, no conflicts (2 of 4 stars). 2 submissions from 2 submitters: Uncertain significance (2). Last evaluated 2026-03-10.

Conditions:
SCN11A-related disorder. Also called: SCN11A-related condition.
Hereditary sensory and autonomic neuropathy type 7. Also called: HSAN VII; Neuropathy, hereditary sensory and autonomic, type VII. Identifiers: Orphanet 391397, MedGen C3809882, MONDO:0014244, OMIM 615548.
Familial episodic pain syndrome with predominantly lower limb involvement. Also called: Episodic pain syndrome, familial, 3. Identifiers: Orphanet 391384, Orphanet 391392, MedGen C3809899, MONDO:0014247, OMIM 615552.

Allele frequency attached by ClinVar (database versions not stated): gnomAD 0.00001; gnomAD exomes 0.00001; TOPMed 0.00002.
gnomAD v4.1: 26 of 1,612,412 alleles (0.0016%); highest among the groups gnomAD compares: Non-Finnish European, 0.0021%; no homozygotes.

Submissions (2):

PreventionGenetics, part of Exact Sciences
Classification: Uncertain significance for SCN11A-related condition. Last evaluated: 2026-03-10. Review status: criteria provided, single submitter. Criteria: ACMG Guidelines, 2015. Collection method: clinical testing. Allele origin: germline.
Comment: The SCN11A c.3382A>T variant is predicted to result in the amino acid substitution p.Ile1128Phe. To our knowledge, this variant has not been reported in the literature. This variant is reported in 0.0080% of alleles in individuals of African descent in gnomAD. At this time, the clinical significance of this variant is uncertain due to the absence of conclusive functional and genetic evidence.

Labcorp Genetics (formerly Invitae), Labcorp
Classification: Uncertain significance for Familial episodic pain syndrome with predominantly lower limb involvement; Hereditary sensory and autonomic neuropathy type 7. Last evaluated: 2023-02-21. Review status: criteria provided, single submitter. Criteria: Invitae Variant Classification Sherloc (09022015). Collection method: clinical testing. Allele origin: germline.
Comment: This sequence change replaces isoleucine, which is neutral and non-polar, with phenylalanine, which is neutral and non-polar, at codon 1128 of the SCN11A protein (p.Ile1128Phe). This variant is present in population databases (no rsID available, gnomAD 0.008%). This variant has not been reported in the literature in individuals affected with SCN11A-related conditions. ClinVar contains an entry for this variant (Variation ID: 846479). Advanced modeling of protein sequence and biophysical properties (such as structural, functional, and spatial information, amino acid conservation, physicochemical variation, residue mobility, and thermodynamic stability) performed at Invitae indicates that this missense variant is not expected to disrupt SCN11A protein function. In summary, the available evidence is currently insufficient to determine the role of this variant in disease. Therefore, it has been classified as a Variant of Uncertain Significance.